The following is an entry in ClinVar:

ClinVar aggregate classification (germline): Uncertain significance. Review status: criteria provided, single submitter (1 of 4 stars). 2 submissions from 2 submitters: Uncertain significance (1). 1 of the submissions does not count toward it. Last evaluated 2025-08-31.

Conditions:
MYPN-related disorder. Also called: MYPN-related condition.
Cardiovascular phenotype. Identifiers: MedGen CN230736.

Allele frequency attached by ClinVar (database versions not stated): gnomAD exomes below 0.00001; TOPMed below 0.00001; ExAC 0.00002; gnomAD 0.00003; 1000 Genomes Project 0.00040; 1000 Genomes Project 30x 0.00047.
gnomAD v4.1: 6 of 1,614,162 alleles (0.00037%); highest among the groups gnomAD compares: Admixed American, 0.01%; no homozygotes.

Submissions (2):

Ambry Genetics
Classification: Uncertain significance for Cardiovascular phenotype. Last evaluated: 2025-08-31. Review status: criteria provided, single submitter. Criteria: Ambry Variant Classification Scheme 2023. Collection method: clinical testing. Allele origin: germline.

PreventionGenetics, part of Exact Sciences
Classification: Uncertain significance for MYPN-related condition. Last evaluated: 2024-04-12. Review status: no assertion criteria provided. Collection method: clinical testing. Allele origin: germline. Not counted in ClinVar's aggregate classification.
Comment: The MYPN c.2683G>T variant is predicted to result in the amino acid substitution p.Asp895Tyr. To our knowledge, this variant has not been reported in the literature. This variant is reported in 0.0087% of alleles in individuals of Latino descent in gnomAD. At this time, the clinical significance of this variant is uncertain due to the absence of conclusive functional and genetic evidence.

NM_032578.4(MYPN):c.2683G>T (p.Asp895Tyr)

Gene: MYPN (myopalladin; plus strand). Cytogenetic location: 10q21.3.
Variant type: single nucleotide variant.
Coding change: c.2683G>T on transcript NM_032578.4 (MANE Select); coding-DNA position 2683, G replaced by T.
Protein change: p.Asp895Tyr; replaces aspartic acid 895 with tyrosine.
Molecular consequence: missense variant. On other transcripts: non-coding transcript variant (1).
Genome position (GRCh38, 1-based): chr10:68,175,441, G>T. VCF-style: chr10-68175441-G-T. GRCh37 (hg19) VCF-style: chr10-69935198-G-T.
Other names: c.2683G>T, p.Asp895Tyr (NM_001256267.2); c.1801G>T, p.Asp601Tyr (NM_001256268.2); short protein forms D601Y, D895Y.
Identifiers: ClinVar variation 1794701 (VCV001794701.4), dbSNP rs548866322, ClinGen allele CA5522841.
Genomic context (GRCh38, chr10:68,175,441, plus strand): 5'-AACATTCGTGAAACTAAGAACGCAGTGATTCGAGACTTGGGGAAAAAAATAACTTTCAGT[G>T]ATGTCAGACCAAACCAGCAGGTAAGATTGTTGGATTTAGAAGGTTTATTGAAATTTTATT-3'
Protein context (NP_115967.2, residues 885-905): RDLGKKITFS[Asp895Tyr]VRPNQQEYKI